The following is an entry in ClinVar:

NC_000005.9:g.(?_78135159)_(78281071_?)dup

Gene: ARSB (arylsulfatase B; minus strand). Cytogenetic location: 5q14.1.
Variant type: Duplication.
Identifiers: ClinVar variation 2422193 (VCV002422193.5).

ClinVar aggregate classification (germline): Uncertain significance (1 of 4 stars; one submission).

Conditions:
Mucopolysaccharidosis type 6 (MPS6). Also called: N-ACETYLGALACTOSAMINE-4-SULFATASE DEFICIENCY; MPS 6; Maroteaux Lamy syndrome; MPS VI; ARSB DEFICIENCY; ARYLSULFATASE B DEFICIENCY. Identifiers: Orphanet 583, MedGen C0026709, MONDO:0009661, OMIM 253200.

Submission:

Labcorp Genetics (formerly Invitae), Labcorp
Classification: Uncertain significance for Mucopolysaccharidosis type 6. Last evaluated: 2022-04-18. Review status: criteria provided, single submitter. Criteria: Invitae Variant Classification Sherloc (09022015). Collection method: clinical testing. Allele origin: germline.
Comment: This variant results in a copy number gain of the genomic region encompassing exon(s) 1-6 of the ARSB gene. This region includes the initiator codon of the gene. This copy number gain extends beyond the assayed region for this gene and therefore may encompass additional genes. As the precise location of this event is unknown, it may be in tandem or it may be located elsewhere in the genome. This variant has not been reported in the literature in individuals affected with ARSB-related conditions. In summary, the available evidence is currently insufficient to determine the role of this variant in disease. Therefore, it has been classified as a Variant of Uncertain Significance.